The following is an entry in ClinVar:

ClinVar aggregate classification (germline): Uncertain significance. Review status: criteria provided, multiple submitters, no conflicts (2 of 4 stars). 2 submissions from 2 submitters: Uncertain significance (2). Last evaluated 2025-09-29.

Conditions:
Congenital primary aphakia. Also called: ANTERIOR SEGMENT DYSGENESIS 2; Anterior segment dysgenesis 2, multiple subtypes. Identifiers: Orphanet 83461, MedGen C1853230, MONDO:0012456, OMIM 610256.
Anterior segment dysgenesis. Also called: Ocular anterior segment dysgenesis. Identifiers: Orphanet 88632, MedGen C1862839, MONDO:0019503, HP:0007700.
Cardiovascular phenotype. Identifiers: MedGen CN230736.

Allele frequency attached by ClinVar (database versions not stated): gnomAD exomes 0.00001 and 0.00004; gnomAD 0.00003 and 0.00004; TOPMed 0.00006.

Submissions (2):

Labcorp Genetics (formerly Invitae), Labcorp
Classification: Uncertain significance for Anterior segment dysgenesis; Congenital primary aphakia. Last evaluated: 2025-09-29. Review status: criteria provided, single submitter. Criteria: Invitae Variant Classification Sherloc (09022015). Collection method: clinical testing. Allele origin: germline.
Comment: This sequence change replaces alanine, which is neutral and non-polar, with threonine, which is neutral and polar, at codon 21 of the FOXE3 protein (p.Ala21Thr). This variant is present in population databases (no rsID available, gnomAD 0.02%). This variant has not been reported in the literature in individuals affected with FOXE3-related conditions. ClinVar contains an entry for this variant (Variation ID: 861717). An algorithm developed to predict the effect of missense changes on protein structure and function (PolyPhen-2) suggests that this variant is likely to be tolerated. In summary, the available evidence is currently insufficient to determine the role of this variant in disease. Therefore, it has been classified as a Variant of Uncertain Significance.

Ambry Genetics
Classification: Uncertain significance for Cardiovascular phenotype. Last evaluated: 2025-09-04. Review status: criteria provided, single submitter. Criteria: Ambry Variant Classification Scheme 2023. Collection method: clinical testing. Allele origin: germline.

NM_012186.3(FOXE3):c.61G>A (p.Ala21Thr)

Genes: FOXE3 (forkhead box E3; plus strand), LINC01389 (long independently transcribed non-coding RNA 1389; minus strand). Cytogenetic location: 1p33.
Variant type: single nucleotide variant.
Coding change: c.61G>A on transcript NM_012186.3 (MANE Select); coding-DNA position 61, G replaced by A.
Protein change: p.Ala21Thr; replaces alanine 21 with threonine.
Molecular consequence: missense variant.
Genome position (GRCh38, 1-based): chr1:47,416,376, G>A. VCF-style: chr1-47416376-G-A. GRCh37 (hg19) VCF-style: chr1-47882048-G-A.
Other names: short protein forms A21T.
Identifiers: ClinVar variation 861717 (VCV000861717.14), dbSNP rs886379083, ClinGen allele CA22068319.
Genomic context (GRCh38, chr1:47,416,376, plus strand): 5'-ATGGCGGGGCGCAGCGACATGGATCCGCCCGCCGCGTTCTCTGGCTTCCCTGCCCTGCCA[G>A]CGGTCGCGCCGTCGGGGCCGCCGCCGTCGCCGCTCGCAGGAGCCGAGCCAGGGCGGGAGC-3'
Protein context (NP_036318.1, residues 11-31): AAFSGFPALP[Ala21Thr]VAPSGPPPSP